The following is an entry in ClinVar:

NM_001379500.1(COL18A1):c.1151C>G (p.Thr384Ser)

Gene: COL18A1 (collagen type XVIII alpha 1 chain; plus strand). Cytogenetic location: 21q22.3.
Variant type: single nucleotide variant.
Coding change: c.1151C>G on transcript NM_001379500.1 (MANE Select); coding-DNA position 1151, C replaced by G.
Protein change: p.Thr384Ser; replaces threonine 384 with serine.
Molecular consequence: missense variant.
Genome position (GRCh38, 1-based): chr21:45,477,895, C>G. VCF-style: chr21-45477895-C-G. GRCh37 (hg19) VCF-style: chr21-46897809-C-G.
Other names: NM_130445.2:c.1151C>G; c.1691C>G, p.Thr564Ser (NM_030582.4); c.2396C>G, p.Thr799Ser (NM_130444.3); short protein forms T564S, T384S, T799S.
Identifiers: ClinVar variation 1353124 (VCV001353124.4), dbSNP rs918305461, ClinGen allele CA321916464.

ClinVar aggregate classification (germline): Uncertain significance. Review status: criteria provided, multiple submitters, no conflicts (2 of 4 stars). 2 submissions from 2 submitters: Uncertain significance (2). Last evaluated 2021-11-08.

Conditions:
Inborn genetic diseases. Identifiers: MedGen C0950123, MeSH D030342.

Allele frequency attached by ClinVar (database versions not stated): gnomAD exomes 0.00001; gnomAD 0.00003; TOPMed 0.00003.
gnomAD v4.1: 36 of 1,564,316 alleles (0.0023%); highest among the groups gnomAD compares: Non-Finnish European, 0.0029%; no homozygotes.

Submissions (2):

Ambry Genetics
Classification: Uncertain significance for Inborn genetic diseases. Last evaluated: 2021-11-08. Review status: criteria provided, single submitter. Criteria: Ambry Variant Classification Scheme 2023. Collection method: clinical testing. Allele origin: germline.

Labcorp Genetics (formerly Invitae), Labcorp
Classification: Uncertain significance. Last evaluated: 2021-10-11. Review status: criteria provided, single submitter. Criteria: Invitae Variant Classification Sherloc (09022015). Collection method: clinical testing. Allele origin: germline.
Comment: This sequence change replaces threonine with serine at codon 384 of the COL18A1 protein (p.Thr384Ser). There is a small physicochemical difference between threonine and serine. This variant is not present in population databases (ExAC no frequency). This variant has not been reported in the literature in individuals affected with COL18A1-related conditions. Experimental studies and prediction algorithms are not available or were not evaluated, and the functional significance of this variant is currently unknown. In summary, the available evidence is currently insufficient to determine the role of this variant in disease. Therefore, it has been classified as a Variant of Uncertain Significance.